The following is an entry in ClinVar:

NM_001367624.2(ZNF469):c.139G>A (p.Gly47Ser)

Gene: ZNF469 (zinc finger protein 469; plus strand). Cytogenetic location: 16q24.2.
Variant type: single nucleotide variant.
Coding change: c.139G>A on transcript NM_001367624.2 (MANE Select); coding-DNA position 139, G replaced by A.
Protein change: p.Gly47Ser; replaces glycine 47 with serine.
Molecular consequence: missense variant.
Genome position (GRCh38, 1-based): chr16:88,427,609, G>A. VCF-style: chr16-88427609-G-A. GRCh37 (hg19) VCF-style: chr16-88494017-G-A.
Other names: NM_001127464.1:c.139G>A; NM_001127464.2:c.139G>A; p.Gly47Ser; short protein forms G47S.
Identifiers: ClinVar variation 320849 (VCV000320849.21), dbSNP rs138954293, ClinGen allele CA8224571.

ClinVar aggregate classification (germline): Conflicting classifications of pathogenicity. Review status: criteria provided, conflicting classifications (1 of 4 stars). 6 submissions from 6 submitters: Uncertain significance (1); Likely benign (4). 1 of the submissions does not count toward it. Last evaluated 2026-02-02.

Conditions:
ZNF469-related disorder. Also called: ZNF469-related condition.
Ehlers-Danlos syndrome (EDS). Identifiers: Orphanet 98249, MedGen C0013720, MONDO:0020066.
Cardiovascular phenotype. Identifiers: MedGen CN230736.

Allele frequency attached by ClinVar (database versions not stated): gnomAD exomes 0.00017 and 0.00039; ExAC 0.00063; gnomAD 0.00168 and 0.00180; TOPMed 0.00183; 1000 Genomes Project 0.00200; 1000 Genomes Project 30x 0.00219.
gnomAD v4.1: 509 of 1,537,272 alleles (0.033%); highest among the groups gnomAD compares: African/African-American, 0.61%; no homozygotes.

Submissions (6):

Labcorp Genetics (formerly Invitae), Labcorp
Classification: Likely benign. Last evaluated: 2026-02-02. Review status: criteria provided, single submitter. Criteria: Invitae Variant Classification Sherloc (09022015). Collection method: clinical testing. Allele origin: germline.

Mayo Clinic Laboratories, Mayo Clinic
Classification: Likely benign. Last evaluated: 2025-12-04. Review status: criteria provided, single submitter. Criteria: ACMG Guidelines, 2015. Collection method: clinical testing. Allele origin: germline. Observed: 1 variant allele.
Comment: BS1, BP4_moderate

Ambry Genetics
Classification: Likely benign for Cardiovascular phenotype. Last evaluated: 2023-11-14. Review status: criteria provided, single submitter. Criteria: Ambry Variant Classification Scheme 2023. Collection method: clinical testing. Allele origin: germline.

GeneDx
Classification: Likely benign. Last evaluated: 2021-01-29. Review status: criteria provided, single submitter. Criteria: GeneDx Variant Classification (06012015). Collection method: clinical testing. Allele origin: germline. Affected: yes.

Genome Diagnostics Laboratory, The Hospital for Sick Children
Classification: Uncertain significance for Ehlers-Danlos syndrome. Last evaluated: 2018-11-01. Review status: criteria provided, single submitter. Criteria: ACMG Guidelines, 2015. Collection method: clinical testing. Allele origin: germline.

PreventionGenetics, part of Exact Sciences
Classification: Likely benign for ZNF469-related condition. Last evaluated: 2024-01-03. Review status: no assertion criteria provided. Collection method: clinical testing. Allele origin: germline. Not counted in ClinVar's aggregate classification.
Comment: This variant is classified as likely benign based on ACMG/AMP sequence variant interpretation guidelines (Richards et al. 2015 PMID: 25741868, with internal and published modifications).